The following is an entry in ClinVar:

ClinVar aggregate classification (germline): Pathogenic. Review status: no assertion criteria provided (0 of 4 stars). 2 submissions from 2 submitters: Pathogenic (2). Last evaluated 2012-01-12.

Conditions:
Early-onset myopathy with fatal cardiomyopathy (CMYO5). Also called: CONGENITAL MYOPATHY 5 WITH CARDIOMYOPATHY; Salih Myopathy. Identifiers: Orphanet 289377, MedGen C2673677, MONDO:0012714, OMIM 611705. Disease mechanism: loss of function.

Submissions (2):

GeneReviews
Classification: Pathogenic for Salih Myopathy. Last evaluated: 2012-01-12. Review status: no assertion criteria provided. Collection method: curation. Allele origin: unknown.
ClinVar note: Converted during submission from pathologic to Pathogenic.

OMIM
Classification: Pathogenic for CONGENITAL MYOPATHY 5 WITH CARDIOMYOPATHY. Last evaluated: 2007-04-01. Review status: no assertion criteria provided. Collection method: literature only. Allele origin: germline.

Literature cited by the submitters: PubMed 17444505 (cited by OMIM).

TTN:c.106668delA (p.Lys35556Argfs)

Genes: TTN (titin; minus strand), TTN-AS1 (TTN antisense RNA 1; plus strand). Cytogenetic location: 2q31.2.
Variant type: Deletion.
Molecular consequence: frameshift variant (on NM_001267550.2).
Genome position: GRCh38 VCF-style: chr2-178529082-AT-A. GRCh37 (hg19) VCF-style: chr2-179393809-AT-A.
Other names: c.101745del, p.Lys33915fs (NM_001256850.1); c.106668del, p.Lys35556fs (NM_001267550.2); c.79473del, p.Lys26491fs (NM_003319.4); c.98964del, p.Lys32988fs (NM_133378.4); c.79848del, p.Lys26616fs (NM_133432.3); c.80049del, p.Lys26683fs (NM_133437.4); c.106668del (LRG_391t1); short protein forms K35556fs, K26491fs, K26616fs, K26683fs, K33915fs, K32988fs.
Identifiers: ClinVar variation 12660 (VCV000012660.5), dbSNP rs587776772, ClinGen allele CA341217.